The following is an entry in ClinVar:

ClinVar aggregate classification (germline): Pathogenic/Likely pathogenic. Review status: criteria provided, multiple submitters, no conflicts (2 of 4 stars). 2 submissions from 2 submitters: Pathogenic (1); Likely pathogenic (1). Last evaluated 2022-12-17.

Submissions (2):

Dubai Health Genomic Medicine Center, Dubai Health
Classification: Pathogenic. Last evaluated: 2022-12-17. Review status: criteria provided, single submitter. Criteria: ACMG Guidelines, 2015. Collection method: clinical testing. Allele origin: germline. Affected: yes.

Labcorp Genetics (formerly Invitae), Labcorp
Classification: Likely pathogenic. Last evaluated: 2022-07-01. Review status: criteria provided, single submitter. Criteria: Invitae Variant Classification Sherloc (09022015). Collection method: clinical testing. Allele origin: germline.
Comment: Algorithms developed to predict the effect of sequence changes on RNA splicing suggest that this variant may disrupt the consensus splice site. This variant has not been reported in the literature in individuals affected with CPLANE1-related conditions. This variant is not present in population databases (gnomAD no frequency). This sequence change affects an acceptor splice site in intron 46 of the CPLANE1 gene. It is expected to disrupt RNA splicing. Variants that disrupt the donor or acceptor splice site typically lead to a loss of protein function (PMID: 16199547), and loss-of-function variants in CPLANE1 are known to be pathogenic (PMID: 24178751, 26092869). In summary, the currently available evidence indicates that the variant is pathogenic, but additional data are needed to prove that conclusively. Therefore, this variant has been classified as Likely Pathogenic.

Literature cited by the submitters: PubMed 16199547 (cited by Labcorp Genetics (formerly Invitae), Labcorp); PubMed 24178751 (cited by Labcorp Genetics (formerly Invitae), Labcorp); PubMed 26092869 (cited by Labcorp Genetics (formerly Invitae), Labcorp).

NM_001384732.1(CPLANE1):c.8959-2A>G

Gene: CPLANE1 (ciliogenesis and planar polarity effector complex subunit 1; minus strand). Cytogenetic location: 5p13.2.
Variant type: single nucleotide variant.
Coding change: c.8959-2A>G on transcript NM_001384732.1 (MANE Select); the canonical splice acceptor site of the intron before coding-DNA position 8959, A replaced by G.
Molecular consequence: splice acceptor variant.
Genome position (GRCh38, 1-based): chr5:37,122,490, T>C on the plus strand (A>G on the coding strand, the complement: CPLANE1 is on the minus strand). VCF-style: chr5-37122490-T-C. GRCh37 (hg19) VCF-style: chr5-37122592-T-C.
Other names: c.8797-2A>G (NM_023073.4).
Identifiers: ClinVar variation 1810264 (VCV001810264.6), dbSNP rs2546659949, ClinGen allele CA359497128.
Genomic context (GRCh38, chr5:37,122,490, plus strand): 5'-CTGTCTTTTTCATGCTTCATCTTTTGTCTCAGCCTTATTTCCCTTGAAGTCATGTAAAGC[T>C]GCATAAAAAATACCCAGTTGGTTCATTATTGTTCAATCCAAATAATTAAACCATTACACA-3'